The following is an entry in ClinVar:

ClinVar aggregate classification (germline): Likely benign. Review status: criteria provided, multiple submitters, no conflicts (2 of 4 stars). 3 submissions from 3 submitters: Likely benign (2). 1 of the submissions does not count toward it. Last evaluated 2025-12-16.

Conditions:
PPP2R1A-related disorder.

Allele frequency attached by ClinVar (database versions not stated): gnomAD exomes 0.00006 and 0.00012; ExAC 0.00011; 1000 Genomes Project 30x 0.00047; gnomAD 0.00048 and 0.00051; TOPMed 0.00054; 1000 Genomes Project 0.00060; ESP Exome Variant Server 0.00092.
gnomAD v4.1: 159 of 1,610,064 alleles (0.0099%); highest among the groups gnomAD compares: African/African-American, 0.19%; no homozygotes.

Submissions (3):

Labcorp Genetics (formerly Invitae), Labcorp
Classification: Likely benign. Last evaluated: 2025-12-16. Review status: criteria provided, single submitter. Criteria: Invitae Variant Classification Sherloc (09022015). Collection method: clinical testing. Allele origin: germline.

CeGaT Center for Human Genetics Tuebingen
Classification: Likely benign. Last evaluated: 2022-11-01. Review status: criteria provided, single submitter. Criteria: CeGaT Center For Human Genetics Tuebingen Variant Classification Criteria Version 2. Collection method: clinical testing. Allele origin: germline. Affected: yes. Observed: 1 variant allele.
Comment: PPP2R1A: PP2, BS1

PreventionGenetics, part of Exact Sciences
Classification: Likely benign for PPP2R1A-related condition. Last evaluated: 2019-05-20. Review status: no assertion criteria provided. Collection method: clinical testing. Allele origin: germline. Not counted in ClinVar's aggregate classification.
Comment: This variant is classified as likely benign based on ACMG/AMP sequence variant interpretation guidelines (Richards et al. 2015 PMID: 25741868, with internal and published modifications).

NM_014225.6(PPP2R1A):c.484G>A (p.Val162Met)

Gene: PPP2R1A (protein phosphatase 2 scaffold subunit Aalpha; plus strand). Cytogenetic location: 19q13.41.
Variant type: single nucleotide variant.
Coding change: c.484G>A on transcript NM_014225.6 (MANE Select); coding-DNA position 484, G replaced by A.
Protein change: p.Val162Met; replaces valine 162 with methionine.
Molecular consequence: missense variant. On other transcripts: 5 prime UTR variant (1), non-coding transcript variant (1).
Genome position (GRCh38, 1-based): chr19:52,211,473, G>A. VCF-style: chr19-52211473-G-A. GRCh37 (hg19) VCF-style: chr19-52714726-G-A.
Other names: c.-54G>A (NM_001363656.2); short protein forms V162M.
Identifiers: ClinVar variation 710150 (VCV000710150.38), dbSNP rs146859239, ClinGen allele CA9621346.